The following is an entry in ClinVar:

ClinVar aggregate classification (germline): Uncertain significance (1 of 4 stars; one submission).

Conditions:
Inborn genetic diseases. Identifiers: MedGen C0950123, MeSH D030342.

gnomAD v4.1: 4 of 1,613,402 alleles (0.00025%); highest among the groups gnomAD compares: Admixed American, 0.0017%; no homozygotes.

Submission:

Ambry Genetics
Classification: Uncertain significance for Inborn genetic diseases. Last evaluated: 2025-12-30. Review status: criteria provided, single submitter. Criteria: Ambry Variant Classification Scheme 2023. Collection method: clinical testing. Allele origin: germline.
Comment: The c.3313G>A (p.G1105R) alteration is located in exon 21 (coding exon 19) of the DHX30 gene. This alteration results from a G to A substitution at nucleotide position 3313, causing the glycine (G) at amino acid position 1105 to be replaced by an arginine (R). Based on data from gnomAD, the A allele has an overall frequency of 0.003% (1/31374) total alleles studied. The highest observed frequency was 0.007% (1/15422) of European (non-Finnish) alleles. Based on insufficient or conflicting evidence, the clinical significance of this alteration remains unclear.

NM_138615.3(DHX30):c.3313G>A (p.Gly1105Arg)

Gene: DHX30 (DExH-box helicase 30; plus strand). Cytogenetic location: 3p21.31.
Variant type: single nucleotide variant.
Coding change: c.3313G>A on transcript NM_138615.3 (MANE Select); coding-DNA position 3313, G replaced by A.
Protein change: p.Gly1105Arg; replaces glycine 1105 with arginine.
Molecular consequence: missense variant.
Genome position (GRCh38, 1-based): chr3:47,849,751, G>A. VCF-style: chr3-47849751-G-A. GRCh37 (hg19) VCF-style: chr3-47891241-G-A.
Other names: c.3229G>A, p.Gly1077Arg (NM_001330990.2); c.3196G>A, p.Gly1066Arg (NM_014966.4); short protein forms G1066R, G1105R, G1077R.
Identifiers: ClinVar variation 4838765 (VCV004838765.1).